The following is an entry in ClinVar:

ClinVar aggregate classification (germline): Uncertain significance (1 of 4 stars; one submission).

Submission:

Labcorp Genetics (formerly Invitae), Labcorp
Classification: Uncertain significance. Last evaluated: 2023-12-07. Review status: criteria provided, single submitter. Criteria: Invitae Variant Classification Sherloc (09022015). Collection method: clinical testing. Allele origin: germline.
Comment: This variant is a gross deletion of the genomic region encompassing exon(s) 2 of the DDX58 gene. This variant would be expected to be in-frame, preserving the integrity of the reading frame. This variant has not been reported in the literature in individuals affected with DDX58-related conditions. Experimental studies and prediction algorithms are not available or were not evaluated, and the functional significance of this variant is currently unknown. In summary, the available evidence is currently insufficient to determine the role of this variant in disease. Therefore, it has been classified as a Variant of Uncertain Significance.

NC_000009.11:g.(?_32500783)_(32500957_?)del

Gene: RIGI (RNA sensor RIG-I; minus strand). Cytogenetic location: 9p21.1.
Variant type: Deletion.
Identifiers: ClinVar variation 1442037 (VCV001442037.7).